The following is an entry in ClinVar:

ClinVar aggregate classification (germline): Likely pathogenic (1 of 4 stars; one submission).

Submission:

GeneDx
Classification: Likely pathogenic. Last evaluated: 2015-05-21. Review status: criteria provided, single submitter. Criteria: GeneDx Variant Classification (06012015). Collection method: clinical testing. Allele origin: germline. Affected: yes.
Comment: The F221I variant in the MBTPS2 gene has not been published as a pathogenic variant, nor has it been reported as a benign polymorphism to our knowledge. The F221I variant was not observed in approximately 6,500 individuals of European and African American ancestry in the NHLBI Exome Sequencing Project, indicating it is not a common benign variant in these populations. The F221I variant is a conservative amino acid substitution, which occurs at a position that is conserved across species. In silico analysis is inconsistent in its predictions as to whether or not the variant is damaging to the protein structure/function. Missense variants in nearby residues (W226L, H227L, F229S) have been reported in the Human Gene Mutation Database in association with IFAP (Stenson et al., 2014), supporting the functional importance of this region of the protein. The F221I variant is a strong candidate for a disease-causing variant, however the possibility it may be a rare benign variant cannot be excluded.

NM_015884.4(MBTPS2):c.661T>A (p.Phe221Ile)

Gene: MBTPS2 (membrane bound transcription factor peptidase, site 2; plus strand). Cytogenetic location: Xp22.12.
Variant type: single nucleotide variant.
Coding change: c.661T>A on transcript NM_015884.4 (MANE Select); coding-DNA position 661, T replaced by A.
Protein change: p.Phe221Ile; replaces phenylalanine 221 with isoleucine.
Molecular consequence: missense variant.
Genome position (GRCh38, 1-based): chrX:21,853,494, T>A. VCF-style: chrX-21853494-T-A. GRCh37 (hg19) VCF-style: chrX-21871612-T-A.
Other names: short protein forms F221I.
Identifiers: ClinVar variation 427134 (VCV000427134.2), dbSNP rs1085307977, ClinGen allele CA412563179.